The following is an entry in ClinVar:

ClinVar aggregate classification (germline): Uncertain significance (1 of 4 stars; one submission).

Submission:

Ambry Genetics
Classification: Uncertain significance. Last evaluated: 2022-05-14. Review status: criteria provided, single submitter. Criteria: Ambry Variant Classification Scheme 2023. Collection method: clinical testing. Allele origin: germline.
Comment: The p.T1144S variant (also known as c.3431C>G), located in coding exon 17 of the NPAT gene, results from a C to G substitution at nucleotide position 3431. The threonine at codon 1144 is replaced by serine, an amino acid with similar properties. This amino acid position is conserved. In addition, this alteration is predicted to be tolerated by in silico analysis. Since supporting evidence is limited at this time, the clinical significance of this alteration remains unclear.

NM_002519.3(NPAT):c.3431C>G (p.Thr1144Ser)

Gene: NPAT (nuclear protein, coactivator of histone transcription; minus strand). Cytogenetic location: 11q22.3.
Variant type: single nucleotide variant.
Coding change: c.3431C>G on transcript NM_002519.3 (MANE Select); coding-DNA position 3431, C replaced by G.
Protein change: p.Thr1144Ser; replaces threonine 1144 with serine.
Molecular consequence: missense variant.
Genome position (GRCh38, 1-based): chr11:108,161,655, G>C on the plus strand (C>G on the coding strand, the complement: NPAT is on the minus strand). VCF-style: chr11-108161655-G-C. GRCh37 (hg19) VCF-style: chr11-108032382-G-C.
Other names: c.3452C>G, p.Thr1151Ser (NM_001321307.1); short protein forms T1144S, T1151S.
Identifiers: ClinVar variation 1731381 (VCV001731381.2), dbSNP rs1489662643, ClinGen allele CA382510827.